The following is an entry in ClinVar:

ClinVar aggregate classification (germline): Uncertain significance (1 of 4 stars; one submission).

gnomAD v4.1: 24 of 1,613,672 alleles (0.0015%); highest among the groups gnomAD compares: East Asian, 0.047%; no homozygotes.

Submission:

GeneDx
Classification: Uncertain significance. Last evaluated: 2026-04-02. Review status: criteria provided, single submitter. Criteria: GeneDx Variant Classification Process June 2021. Collection method: clinical testing. Allele origin: germline.
Comment: In silico analysis supports that this missense variant has a deleterious effect on protein structure/function; Has not been previously published as pathogenic or benign to our knowledge

NM_001386135.1(AFF3):c.887G>A (p.Gly296Glu)

Gene: AFF3 (ALF transcription elongation factor 3; minus strand). Cytogenetic location: 2q11.2.
Variant type: single nucleotide variant.
Coding change: c.887G>A on transcript NM_001386135.1 (MANE Select); coding-DNA position 887, G replaced by A.
Protein change: p.Gly296Glu; replaces glycine 296 with glutamic acid.
Molecular consequence: missense variant.
Genome position (GRCh38, 1-based): chr2:99,837,511, C>T on the plus strand (G>A on the coding strand, the complement: AFF3 is on the minus strand). VCF-style: chr2-99837511-C-T. GRCh37 (hg19) VCF-style: chr2-100453973-C-T.
Other names: c.962G>A, p.Gly321Glu (NM_001025108.2); c.887G>A, p.Gly296Glu (NM_002285.3); short protein forms G296E, G321E.
Identifiers: ClinVar variation 5017949 (VCV005017949.1).